The following is an entry in ClinVar:

ClinVar aggregate classification (germline): Uncertain significance (1 of 4 stars; one submission).

Submission:

Women's Health and Genetics/Laboratory Corporation of America, LabCorp
Classification: Uncertain significance. Last evaluated: 2026-04-07. Review status: criteria provided, single submitter. Criteria: LabCorp Variant Classification Summary - May 2015. Collection method: clinical testing. Allele origin: germline.
Comment: Variant summary: DHX30 c.1388A>G (p.Lys463Arg) results in a conservative amino acid change in the encoded protein sequence. Algorithms developed to predict the effect of missense changes on protein structure and function are either unavailable or do not agree on the potential impact of this missense change. The frequency data for this variant in gnomAD is considered unreliable, as metrics indicate poor data quality at this position. To our knowledge, no occurrence of c.1388A>G in individuals affected with DHX30-related conditions and no experimental evidence demonstrating its impact on protein function have been reported. No submitters have cited clinical-significance assessments for this variant to ClinVar. Based on the evidence outlined above, the variant was classified as uncertain significance.

NM_138615.3(DHX30):c.1388A>G (p.Lys463Arg)

Gene: DHX30 (DExH-box helicase 30; plus strand). Cytogenetic location: 3p21.31.
Variant type: single nucleotide variant.
Coding change: c.1388A>G on transcript NM_138615.3 (MANE Select); coding-DNA position 1388, A replaced by G.
Protein change: p.Lys463Arg; replaces lysine 463 with arginine.
Molecular consequence: missense variant.
Genome position (GRCh38, 1-based): chr3:47,846,460, A>G. VCF-style: chr3-47846460-A-G. GRCh37 (hg19) VCF-style: chr3-47887950-A-G.
Other names: c.1304A>G, p.Lys435Arg (NM_001330990.2); c.1271A>G, p.Lys424Arg (NM_014966.4); short protein forms K424R, K435R, K463R.
Identifiers: ClinVar variation 4848783 (VCV004848783.1).